The following is an entry in ClinVar:

NM_006236.3(POU3F3):c.366G>A (p.Trp122Ter)

Gene: POU3F3 (POU class 3 homeobox 3; plus strand). Cytogenetic location: 2q12.1.
Variant type: single nucleotide variant.
Coding change: c.366G>A on transcript NM_006236.3 (MANE Select); coding-DNA position 366, G replaced by A.
Protein change: p.Trp122Ter; replaces tryptophan 122 with a stop codon.
Molecular consequence: nonsense.
Genome position (GRCh38, 1-based): chr2:104,855,876, G>A. VCF-style: chr2-104855876-G-A. GRCh37 (hg19) VCF-style: chr2-105472334-G-A.
Other names: short protein forms W122*.
Identifiers: ClinVar variation 2412972 (VCV002412972.4), dbSNP rs2466874909, ClinGen allele CA348096590.

ClinVar aggregate classification (germline): Likely pathogenic. Review status: criteria provided, multiple submitters, no conflicts (2 of 4 stars). 2 submissions from 2 submitters: Likely pathogenic (2). Last evaluated 2022-07-27.

Conditions:
POU3F3-related disorder. Also called: POU3F3-related condition.

Submissions (2):

GeneDx
Classification: Likely pathogenic. Last evaluated: 2022-07-27. Review status: criteria provided, single submitter. Criteria: GeneDx Variant Classification Process June 2021. Collection method: clinical testing. Allele origin: germline. Affected: yes.
Comment: Nonsense variant in the C-terminus predicted to result in protein truncation, as the last 379 amino acids are lost, and other loss-of-function variants have been reported downstream in HGMD; Not observed at significant frequency in large population cohorts (gnomAD); Has not been previously published as pathogenic or benign to our knowledge

Blueprint Genetics
Classification: Likely pathogenic for POU3F3-related disorders. Last evaluated: 2021-01-18. Review status: criteria provided, single submitter. Criteria: ACMG Guidelines, 2015. Collection method: clinical testing. Allele origin: germline. Affected: yes. Observed: 4 variant alleles.